The following is an entry in ClinVar:

ClinVar aggregate classification (germline): Pathogenic/Likely pathogenic. Review status: criteria provided, multiple submitters, no conflicts (2 of 4 stars). 2 submissions from 2 submitters: Pathogenic (1); Likely pathogenic (1). Last evaluated 2026-04-05.

Conditions:
RP1-related disorder. Also called: RP1-related condition.

Submissions (2):

GeneDx
Classification: Pathogenic. Last evaluated: 2026-04-05. Review status: criteria provided, single submitter. Criteria: GeneDx Variant Classification Process June 2021. Collection method: clinical testing. Allele origin: germline.
Comment: Frameshift variant predicted to result in protein truncation or nonsense mediated decay in a gene for which loss of function is a known mechanism of disease; Not observed at significant frequency in large population cohorts (gnomAD); This variant is associated with the following publications: (PMID: 36819107)

Blueprint Genetics
Classification: Likely pathogenic for RP1-related disorders. Last evaluated: 2023-05-17. Review status: criteria provided, single submitter. Criteria: ACMG Guidelines, 2015. Collection method: clinical testing. Allele origin: germline. Affected: yes. Observed: 3 variant alleles.

NM_006269.2(RP1):c.290_291del (p.Glu97fs)

Gene: RP1 (RP1 axonemal microtubule associated; plus strand). Cytogenetic location: 8q12.1.
Variant type: Deletion.
Coding change: c.290_291del on transcript NM_006269.2 (MANE Select); coding-DNA positions 290 to 291, 2 bases deleted (AG; older notation c.290_291delAG).
Protein change: p.Glu97fs; shifts the reading frame from glutamic acid 97.
Molecular consequence: frameshift variant.
Genome position (GRCh38, 1-based): chr8:54,621,256-54,621,257, AG deleted; deleting any 2 consecutive bases within chr8:54,621,255-54,621,257 gives the same sequence; the c. name uses the placement nearest the transcript's 3' end. VCF-style (leftmost placement, unchanged base first): chr8-54621254-GGA-G. GRCh37 (hg19) VCF-style: chr8-55533814-GGA-G.
Other names: c.290_291del, p.Glu97fs (NM_001375654.1); short protein forms E97fs.
Identifiers: ClinVar variation 4795464 (VCV004795464.3).
Genomic context (GRCh38, chr8:54,621,254, plus strand): 5'-CCCTTTTGGAGTGAGGAACATCAGCACCCCTCGGGGCAGGCACAGCATCACGCGCCTGGA[GGA>G]GCTGGAGGACGGCGAGTCCTACCTATGTTCCCACGGCAGGAAGGTGCAGCCTGTAGACCT-3'